The following is an entry in ClinVar:

NM_001004051.4(GPRASP2):c.493A>G (p.Lys165Glu)

Genes: ARMCX5-GPRASP2 (ARMCX5-GPRASP2 readthrough; plus strand), GPRASP2 (G protein-coupled receptor associated sorting protein 2; plus strand). Cytogenetic location: Xq22.1.
Variant type: single nucleotide variant.
Coding change: c.493A>G on transcript NM_001004051.4 (MANE Select); coding-DNA position 493, A replaced by G.
Protein change: p.Lys165Glu; replaces lysine 165 with glutamic acid.
Molecular consequence: missense variant. On other transcripts: intron variant (3).
Genome position (GRCh38, 1-based): chrX:102,715,362, A>G. VCF-style: chrX-102715362-A-G. GRCh37 (hg19) VCF-style: chrX-101970290-A-G.
Other names: c.493A>G, p.Lys165Glu (NM_001199818.1, NM_001184874.3, NM_001184875.3 and 2 more transcripts); c.-820+1096A>G (NM_001350268.2); c.-752+1096A>G (NM_001350269.2); c.-721+1096A>G (NM_001350270.1); short protein forms K165E.
Identifiers: ClinVar variation 4983696 (VCV004983696.1).

ClinVar aggregate classification (germline): Uncertain significance (1 of 4 stars; one submission).

Conditions:
GPRASP2-related disorder. Also called: GPRASP2-related condition.

gnomAD v4.1: 15 of 1,211,168 alleles (0.0012%); highest among the groups gnomAD compares: Admixed American, 0.03%; no homozygotes.

Submission:

PreventionGenetics, part of Exact Sciences
Classification: Uncertain significance for GPRASP2-related condition. Last evaluated: 2025-03-25. Review status: criteria provided, single submitter. Criteria: ACMG Guidelines, 2015. Collection method: clinical testing. Allele origin: germline.
Comment: The GPRASP2 c.493A>G variant is predicted to result in the amino acid substitution p.Lys165Glu. To our knowledge, this variant has not been reported in the literature. This variant is reported in 0.021% of alleles in individuals of Latino descent in gnomAD. At this time, the clinical significance of this variant is uncertain due to the absence of conclusive functional and genetic evidence.